The following is an entry in ClinVar:

NM_006949.4(STXBP2):c.326-30_326-23del

Gene: STXBP2 (syntaxin binding protein 2; plus strand). Cytogenetic location: 19p13.2.
Variant type: Deletion.
Coding change: c.326-30_326-23del on transcript NM_006949.4 (MANE Select); 30 bases into the intron before coding-DNA position 326 through 23 bases into the intron before coding-DNA position 326, 8 bases deleted (GCCTGATG; older notation c.326-30_326-23delGCCTGATG).
Molecular consequence: intron variant.
Genome position (GRCh38, 1-based): chr19:7,640,870-7,640,877, GCCTGATG deleted; deleting any 8 consecutive bases within chr19:7,640,868-7,640,877 gives the same sequence; the c. name uses the placement nearest the transcript's 3' end. VCF-style (leftmost placement, unchanged base first): chr19-7640867-CTGGCCTGA-C. GRCh37 (hg19) VCF-style: chr19-7705753-CTGGCCTGA-C.
Other names: c.326-30_326-23delGCCTGATG (NM_006949.3); c.230-30_230-23del (NM_001414484.1); c.359-30_359-23del (NM_001272034.2); c.317-30_317-23del (NM_001127396.3).
Identifiers: ClinVar variation 2716665 (VCV002716665.4), dbSNP rs765482362, ClinGen allele CA9143582.

ClinVar aggregate classification (germline): Conflicting classifications of pathogenicity. Review status: criteria provided, conflicting classifications (1 of 4 stars). 2 submissions from 2 submitters: Likely pathogenic (1); Likely benign (1). Last evaluated 2026-05-14.

Conditions:
Familial hemophagocytic lymphohistiocytosis 5. Also called: STXBP2-Related Familial Hemophagocytic Lymphohistiocytosis (STXBP2-fHLH). Identifiers: Orphanet 540, MedGen C2751293, MONDO:0013135, OMIM 613101.

Submissions (2):

Undiagnosed Diseases Network, NIH
Classification: Likely pathogenic for Familial hemophagocytic lymphohistiocytosis 5. Last evaluated: 2026-05-14. Review status: criteria provided, single submitter. Criteria: ACMG Guidelines, 2015. Collection method: clinical testing. Allele origin: maternal. Affected: yes. Observed: 1 variant allele, 1 compound heterozygote. Study: Undiagnosed Diseases Network (NIH), UDN.
Comment: The c.326-30_326-23delGCCTGATG variant in the STXBP2 gene has been observed in gnomAD at a low frequency (0.00005330) with no homozygous occurrences. This variant has been reported in an individual with symptoms of HLH (PMID:32542393). A different 8-base pair intronic deletion, which partly overlaps with our patient’s deletion (c.326-23_326-16delGCCCCACT), was reported in a patient with HLH (PMID: 23382066). Abnormal splicing associated with this intronic variant has been observed, resulting in premature translation termination with partial nonsense-mediated decay (NMD). Based on this evidence, the variant has been classified as likely pathogenic.

Labcorp Genetics (formerly Invitae), Labcorp
Classification: Likely benign for Familial hemophagocytic lymphohistiocytosis 5. Last evaluated: 2024-01-29. Review status: criteria provided, single submitter. Criteria: Invitae Variant Classification Sherloc (09022015). Collection method: clinical testing. Allele origin: germline.

Literature cited by the submitters: PubMed 32542393 (cited by Undiagnosed Diseases Network, NIH).